The following is an entry in ClinVar:

NM_199420.4(POLQ):c.3749G>C (p.Ser1250Thr)

Gene: POLQ (DNA polymerase theta; minus strand). Cytogenetic location: 3q13.33.
Variant type: single nucleotide variant.
Coding change: c.3749G>C on transcript NM_199420.4 (MANE Select); coding-DNA position 3749, G replaced by C.
Protein change: p.Ser1250Thr; replaces serine 1250 with threonine.
Molecular consequence: missense variant.
Genome position (GRCh38, 1-based): chr3:121,489,182, C>G on the plus strand (G>C on the coding strand, the complement: POLQ is on the minus strand). VCF-style: chr3-121489182-C-G. GRCh37 (hg19) VCF-style: chr3-121208029-C-G.
Other names: short protein forms S1250T.
Identifiers: ClinVar variation 2497197 (VCV002497197.2), dbSNP rs2546786987, ClinGen allele CA354097539.

ClinVar aggregate classification (germline): Uncertain significance (1 of 4 stars; one submission).

Allele frequency attached by ClinVar (database versions not stated): gnomAD exomes below 0.00001.
gnomAD v4.1: 3 of 1,612,418 alleles (0.00019%); highest among the groups gnomAD compares: Non-Finnish European, 0.00025%; no homozygotes.

Submission:

Ambry Genetics
Classification: Uncertain significance. Last evaluated: 2022-12-18. Review status: criteria provided, single submitter. Criteria: Ambry Variant Classification Scheme 2023. Collection method: clinical testing. Allele origin: germline.
Comment: The p.S1250T variant (also known as c.3749G>C), located in coding exon 16 of the POLQ gene, results from a G to C substitution at nucleotide position 3749. The serine at codon 1250 is replaced by threonine, an amino acid with similar properties. This amino acid position is conserved. In addition, this alteration is predicted to be tolerated by in silico analysis. Since supporting evidence is limited at this time, the clinical significance of this alteration remains unclear.